The following is an entry in ClinVar:

NM_032608.7(MYO18B):c.3886-9T>C

Gene: MYO18B (myosin XVIIIB; plus strand). Cytogenetic location: 22q12.1.
Variant type: single nucleotide variant.
Coding change: c.3886-9T>C on transcript NM_032608.7 (MANE Select); 9 bases into the intron before coding-DNA position 3886, T replaced by C.
Molecular consequence: intron variant.
Genome position (GRCh38, 1-based): chr22:25,868,311, T>C. VCF-style: chr22-25868311-T-C. GRCh37 (hg19) VCF-style: chr22-26264278-T-C.
Other names: c.3889-9T>C (NM_001318245.2).
Identifiers: ClinVar variation 741496 (VCV000741496.12), dbSNP rs137859315, ClinGen allele CA10160684.

ClinVar aggregate classification (germline): Benign. Review status: criteria provided, multiple submitters, no conflicts (2 of 4 stars). 3 submissions from 3 submitters: Benign (2). 1 of the submissions does not count toward it. Last evaluated 2026-01-20.

Conditions:
MYO18B-related disorder. Also called: MYO18B-related condition.

Allele frequency attached by ClinVar (database versions not stated): gnomAD exomes 0.00020 and 0.00085; gnomAD 0.00031 and 0.00035; TOPMed 0.00043; 1000 Genomes Project 30x 0.00141; 1000 Genomes Project 0.00160; ExAC 0.00204.
gnomAD v4.1: 338 of 1,595,620 alleles (0.021%); highest among the groups gnomAD compares: East Asian, 0.7%; 2 homozygotes.

Submissions (3):

Labcorp Genetics (formerly Invitae), Labcorp
Classification: Benign. Last evaluated: 2026-01-20. Review status: criteria provided, single submitter. Criteria: Invitae Variant Classification Sherloc (09022015). Collection method: clinical testing. Allele origin: germline.

Breakthrough Genomics
Classification: Benign. Review status: criteria provided, single submitter. Criteria: ACMG Guidelines, 2015. Collection method: not provided. Allele origin: germline. Inheritance: Autosomal recessive inheritance. Affected: yes.

PreventionGenetics, part of Exact Sciences
Classification: Benign for MYO18B-related condition. Last evaluated: 2024-04-02. Review status: no assertion criteria provided. Collection method: clinical testing. Allele origin: germline. Not counted in ClinVar's aggregate classification.
Comment: This variant is classified as benign based on ACMG/AMP sequence variant interpretation guidelines (Richards et al. 2015 PMID: 25741868, with internal and published modifications).